The following is an entry in ClinVar:

NM_145200.5(CABP4):c.686C>T (p.Ala229Val)

Gene: CABP4 (calcium binding protein 4; plus strand). Cytogenetic location: 11q13.2.
Variant type: single nucleotide variant.
Coding change: c.686C>T on transcript NM_145200.5 (MANE Select); coding-DNA position 686, C replaced by T.
Protein change: p.Ala229Val; replaces alanine 229 with valine.
Molecular consequence: missense variant. On other transcripts: non-coding transcript variant (1).
Genome position (GRCh38, 1-based): chr11:67,458,405, C>T. VCF-style: chr11-67458405-C-T. GRCh37 (hg19) VCF-style: chr11-67225876-C-T.
Other names: c.371C>T, p.Ala124Val (NM_001300895.3, NM_001300896.3, NM_001379183.1); short protein forms A229V, A124V.
Identifiers: ClinVar variation 971754 (VCV000971754.9), dbSNP rs769011802, ClinGen allele CA6140321.

ClinVar aggregate classification (germline): Uncertain significance. Review status: criteria provided, multiple submitters, no conflicts (2 of 4 stars). 2 submissions from 2 submitters: Uncertain significance (2). Last evaluated 2024-05-23.

Conditions:
Inborn genetic diseases. Identifiers: MedGen C0950123, MeSH D030342.

Allele frequency attached by ClinVar (database versions not stated): TOPMed 0.00001; gnomAD 0.00003; gnomAD exomes 0.00001; ExAC 0.00001.

Submissions (2):

Ambry Genetics
Classification: Uncertain significance for Inborn genetic diseases. Last evaluated: 2024-05-23. Review status: criteria provided, single submitter. Criteria: Ambry Variant Classification Scheme 2023. Collection method: clinical testing. Allele origin: germline.

Labcorp Genetics (formerly Invitae), Labcorp
Classification: Uncertain significance. Last evaluated: 2023-09-05. Review status: criteria provided, single submitter. Criteria: Invitae Variant Classification Sherloc (09022015). Collection method: clinical testing. Allele origin: germline.
Comment: This sequence change replaces alanine, which is neutral and non-polar, with valine, which is neutral and non-polar, at codon 229 of the CABP4 protein (p.Ala229Val). This variant is present in population databases (rs769011802, gnomAD 0.01%). This variant has not been reported in the literature in individuals affected with CABP4-related conditions. ClinVar contains an entry for this variant (Variation ID: 971754). Advanced modeling of protein sequence and biophysical properties (such as structural, functional, and spatial information, amino acid conservation, physicochemical variation, residue mobility, and thermodynamic stability) has been performed at Invitae for this missense variant, however the output from this modeling did not meet the statistical confidence thresholds required to predict the impact of this variant on CABP4 protein function. In summary, the available evidence is currently insufficient to determine the role of this variant in disease. Therefore, it has been classified as a Variant of Uncertain Significance.